The following is an entry in ClinVar:

ClinVar aggregate classification (germline): Conflicting classifications of pathogenicity. Review status: criteria provided, conflicting classifications (1 of 4 stars). 2 submissions from 2 submitters: Uncertain significance (1); Likely benign (1). Last evaluated 2026-01-01.

Conditions:
Inborn genetic diseases. Identifiers: MedGen C0950123, MeSH D030342.

gnomAD v4.1: 35 of 1,583,372 alleles (0.0022%); highest among the groups gnomAD compares: African/African-American, 0.004%; no homozygotes.

Submissions (2):

CeGaT Center for Human Genetics Tuebingen
Classification: Likely benign. Last evaluated: 2026-01-01. Review status: criteria provided, single submitter. Criteria: CeGaT Center For Human Genetics Tuebingen Variant Classification Criteria Version 2. Collection method: clinical testing. Allele origin: germline. Affected: yes. Observed: 1 variant allele.
Comment: KDM4B: BS2

Ambry Genetics
Classification: Uncertain significance for Inborn genetic diseases. Last evaluated: 2024-09-02. Review status: criteria provided, single submitter. Criteria: Ambry Variant Classification Scheme 2023. Collection method: clinical testing. Allele origin: germline.

NM_015015.3(KDM4B):c.2812C>T (p.Arg938Cys)

Gene: KDM4B (lysine demethylase 4B; plus strand). Cytogenetic location: 19p13.3.
Variant type: single nucleotide variant.
Coding change: c.2812C>T on transcript NM_015015.3 (MANE Select); coding-DNA position 2812, C replaced by T.
Protein change: p.Arg938Cys; replaces arginine 938 with cysteine.
Molecular consequence: missense variant.
Genome position (GRCh38, 1-based): chr19:5,144,323, C>T. VCF-style: chr19-5144323-C-T. GRCh37 (hg19) VCF-style: chr19-5144334-C-T.
Other names: c.2914C>T, p.Arg972Cys (NM_001411148.1); short protein forms R938C, R972C.
Identifiers: ClinVar variation 3533084 (VCV003533084.5).